The following is an entry in ClinVar:

ClinVar aggregate classification (germline): Pathogenic. Review status: criteria provided, multiple submitters, no conflicts (2 of 4 stars). 10 submissions from 10 submitters: Pathogenic (9). 1 of the submissions does not count toward it. Last evaluated 2025-12-22.

Conditions:
Hereditary cancer-predisposing syndrome. Also called: Hereditary Cancer Syndrome; Tumor predisposition; Hereditary neoplastic syndrome; Neoplastic Syndromes, Hereditary. Identifiers: Orphanet 140162, MedGen C0027672, MeSH D009386, MONDO:0015356.
Multiple endocrine neoplasia, type 1 (MEN1). Also called: MEA I; MEN I; WERMER SYNDROME; Endocrine adenomatosis multiple; MEN 1. Identifiers: Orphanet 652, MedGen C0025267, MeSH D018761, MONDO:0007540, OMIM 131100.

Submissions (10):

Labcorp Genetics (formerly Invitae), Labcorp
Classification: Pathogenic for Multiple endocrine neoplasia, type 1. Last evaluated: 2025-12-22. Review status: criteria provided, single submitter. Criteria: Invitae Variant Classification Sherloc (09022015). Collection method: clinical testing. Allele origin: germline.
Comment: This sequence change creates a premature translational stop signal (p.Leu103Cysfs*16) in the MEN1 gene. It is expected to result in an absent or disrupted protein product. Loss-of-function variants in MEN1 are known to be pathogenic (PMID: 12112656, 17853334). This variant is not present in population databases (gnomAD no frequency). This premature translational stop signal has been observed in individual(s) with multiple endocrine neoplasia type 1 (PMID: 9103196, 15522929, 17853334). Invitae Evidence Modeling of clinical and family history, age, sex, and reported ancestry of multiple individuals with this MEN1 variant has been performed. This variant is expected to be pathogenic with a positive predictive value of at least 99%. This is a validated machine learning model that incorporates the clinical features of 1,366,787 individuals referred to our laboratory for MEN1 testing. This variant is also known as 416delC and 417delC. ClinVar contains an entry for this variant (Variation ID: 200996). For these reasons, this variant has been classified as Pathogenic.

Myriad Genetics, Inc.
Classification: Pathogenic for Multiple endocrine neoplasia, type 1. Last evaluated: 2025-06-11. Review status: criteria provided, single submitter. Criteria: Myriad Autosomal Dominant, Autosomal Recessive and X-Linked Classification Criteria (2023). Collection method: clinical testing. Allele origin: unknown.
Comment: This variant is considered pathogenic. This variant creates a frameshift predicted to result in premature protein truncation.

Quest Diagnostics Nichols Institute San Juan Capistrano
Classification: Pathogenic. Last evaluated: 2025-04-12. Review status: criteria provided, single submitter. Criteria: Quest Diagnostics criteria. Collection method: clinical testing. Allele origin: unknown.
Comment: The MEN1 c.307del (p.Leu103Cysfs*16) variant alters the translational reading frame of the MEN1 mRNA and causes the premature termination of MEN1 protein synthesis. This variant has been reported in the published literature in multiple individuals with multiple endocrine neoplasia type 1 (PMIDs: 9103196 (1997), 10090472 (1999), 15522929 (2005), 15714081 (2005), 29927501 (2018), 36111275 (2022), 37409236 (2023)). This variant has not been reported in large, multi-ethnic general populations (Genome Aggregation Database). Based on the available information, this variant is classified as pathogenic.

Ambry Genetics
Classification: Pathogenic for Hereditary cancer-predisposing syndrome. Last evaluated: 2024-11-01. Review status: criteria provided, single submitter. Criteria: Ambry Variant Classification Scheme 2023. Collection method: clinical testing. Allele origin: germline.
Comment: The c.307delC pathogenic mutation, located in coding exon 1 of the MEN1 gene, results from a deletion of one nucleotide at nucleotide position 307, causing a translational frameshift with a predicted alternate stop codon (p.L103Cfs*16). This mutation has been reported in multiple individuals/families with a clinical diagnosis of multiple endocrine neoplasia type 1 (Chandrasekharappa SC et al. Science. 1997 Apr;276:404-7; Benito M et al. J. Clin. Endocrinol. Metab. 2005 Jan;90:570-4; Klein RD et al. Genet. Med. 2005 Feb;7:131-8; Mutch MG et al. Hum. Mutat. 1999;13:175-85; Makri A et al. Clin Endocrinol (Oxf). 2018 10;89:437-443; Tirosh A et al. Endocr Pract. 2019 Jun;25:580-588; Mandl A et al. Endocr Relat Cancer. 2021 Oct;28:L15-L19). Of note, this mutation is also designated as 416delC in published literature. This variant is considered to be rare based on population cohorts in the Genome Aggregation Database (gnomAD). This alteration is expected to result in loss of function by premature protein truncation or nonsense-mediated mRNA decay. As such, this alteration is interpreted as a disease-causing mutation.

ARUP Laboratories, Molecular Genetics and Genomics, ARUP Laboratories
Classification: Pathogenic. Last evaluated: 2024-07-12. Review status: criteria provided, single submitter. Criteria: ARUP Molecular Germline Variant Investigation Process 2024. Collection method: clinical testing. Allele origin: germline.
Comment: The MEN1 c.307del; p.Leu103CysfsTer16 variant (rs794728639) is reported in the literature in multiple individuals affected with multiple endocrine neoplasia-type 1 (Benito 2005, Chandrasekharappa 1997, Klein 2005, Makri 2018, Mutch 1999, Schaaf 2007). This variant is reported as pathogenic by multiple laboratories in ClinVar (Variation ID: 200996), and is absent from the Genome Aggregation Database (v2.1.1), indicating it is not a common polymorphism. This variant causes a frameshift by deleting a single nucleotide, so it is predicted to result in a truncated protein or mRNA subject to nonsense-mediated decay. Based on available information, this variant is considered to be pathogenic. References: Benito M et al. Gonadotroph tumor associated with multiple endocrine neoplasia type 1. J Clin Endocrinol Metab. 2005 Jan;90(1):570-4. PMID: 15522929 Chandrasekharappa SC et al. Positional cloning of the gene for multiple endocrine neoplasia-type 1. Science. 1997 Apr 18;276(5311):404-7. PMID: 9103196 Klein RD et al. Clinical testing for multiple endocrine neoplasia type 1 in a DNA diagnostic laboratory. Genet Med. 2005 Feb;7(2):131-8. PMID: 15714081 Makri A et al. Children with MEN1 gene mutations may present first (and at a young age) with Cushing disease. Clin Endocrinol (Oxf). 2018 Oct;89(4):437-443. PMID: 29927501 Mutch MG et al. Germline mutations in the multiple endocrine neoplasia type 1 gene: evidence for frequent splicing defects. Hum Mutat. 1999;13(3):175-85. PMID: 10090472 Schaaf L et al. Developing effective screening strategies in multiple endocrine neoplasia type 1 (MEN 1) on the basis of clinical and sequencing data of German patients with MEN 1. Exp Clin Endocrinol Diabetes. 2007 Sep;115(8):509-17. PMID: 17853334

Women's Health and Genetics/Laboratory Corporation of America, LabCorp
Classification: Pathogenic for Multiple endocrine neoplasia, type 1. Last evaluated: 2022-03-19. Review status: criteria provided, single submitter. Criteria: LabCorp Variant Classification Summary - May 2015. Collection method: clinical testing. Allele origin: germline.
Comment: Variant summary: MEN1 c.307delC (p.Leu103CysfsX16) results in a premature termination codon, predicted to cause a truncation of the encoded protein or absence of the protein due to nonsense mediated decay, which are commonly known mechanisms for disease. Truncations downstream of this position have been classified as pathogenic by our laboratory. The variant was absent in 250908 control chromosomes. c.307delC has been reported in the literature in multiple individuals affected with Multiple Endocrine Neoplasia Type 1 (example, Chandrasekharappa_1997, Mutch_1999, Benito_2005, Schaaf_2007). It has been reported with legacy names of 416delC, 417delC. These data indicate that the variant is very likely to be associated with disease. To our knowledge, no experimental evidence demonstrating an impact on protein function has been reported. Five clinical diagnostic laboratories have submitted clinical-significance assessments for this variant to ClinVar after 2014 without evidence for independent evaluation. All laboratories classified the variant as pathogenic. Based on the evidence outlined above, the variant was classified as pathogenic.

GeneDx
Classification: Pathogenic. Last evaluated: 2022-03-15. Review status: criteria provided, single submitter. Criteria: GeneDx Variant Classification Process June 2021. Collection method: clinical testing. Allele origin: germline. Affected: yes.
Comment: Frameshift variant predicted to result in protein truncation or nonsense mediated decay in a gene for which loss-of-function is a known mechanism of disease; Not observed in large population cohorts (gnomAD); This variant is associated with the following publications: (PMID: 15281352, 15126560, 9103196, 9215689, 15522929, 10090472, 9709921, 9671267, 11579199, 9832038, 10617276, 9681840, 12112656, 17853334, 15082967, 17879353, 9437237, 17766710, 29927501, 31447099)

Laboratory for Molecular Medicine, Mass General Brigham Personalized Medicine
Classification: Pathogenic for Multiple endocrine neoplasia, type 1. Last evaluated: 2017-07-24. Review status: criteria provided, single submitter. Criteria: LMM Criteria. Collection method: clinical testing. Allele origin: germline. Inheritance: Autosomal dominant inheritance. Observed: 2 variant alleles.
Comment: The p.Leu103fs variant in MEN1 has been reported in 3 individuals with multiple endocrine neoplasia type 1 (MEN1; Chandrasekharappa 1997, Benito 2005) and has a lso been reported by other clinical laboratories in ClinVar (Variation ID 200996 ). It was absent from large population studies, though the ability of these stud ies to accurately detect indels may be limited. This variant is predicted to cau se a frameshift, which alters the protein?s amino acid sequence beginning at pos ition 103 and leads to a premature termination codon 16 amino acids downstream. This alteration is then predicted to lead to a truncated or absent protein. Hete rozygous loss of function of the MEN1 gene is an established disease mechanism i n MEN1 syndrome. In summary, this variant meets criteria to be classified as pat hogenic for MEN1 in an autosomal dominant manner based upon the predicted impact to the protein and absence from controls.

Eurofins Ntd Llc (ga)
Classification: Pathogenic. Last evaluated: 2016-04-28. Review status: criteria provided, single submitter. Criteria: EGL Classification Definitions 2015. Collection method: clinical testing. Allele origin: germline. Observed: 1 variant allele, 1 heterozygote.

OMIM
Classification: Pathogenic for MULTIPLE ENDOCRINE NEOPLASIA, TYPE I. Last evaluated: 1997-04-18. Review status: no assertion criteria provided. Collection method: literature only. Allele origin: germline. Not counted in ClinVar's aggregate classification.

Literature cited by the submitters: PubMed 12112656 (cited by Labcorp Genetics (formerly Invitae), Labcorp and Women's Health and Genetics/Laboratory Corporation of America, LabCorp); PubMed 17853334 (cited by Labcorp Genetics (formerly Invitae), Labcorp and Women's Health and Genetics/Laboratory Corporation of America, LabCorp); PubMed 9103196 (cited by 5 submitters); PubMed 15522929 (cited by 4 submitters); PubMed 10090472 (cited by Ambry Genetics and Women's Health and Genetics/Laboratory Corporation of America, LabCorp); PubMed 15714081 (cited by Ambry Genetics); PubMed 29927501 (cited by Ambry Genetics); PubMed 30865533 (cited by Ambry Genetics); PubMed 34515662 (cited by Ambry Genetics); PubMed 9671267 (cited by Women's Health and Genetics/Laboratory Corporation of America, LabCorp); PubMed 9215689 (cited by Women's Health and Genetics/Laboratory Corporation of America, LabCorp); PubMed 9709921 (cited by Women's Health and Genetics/Laboratory Corporation of America, LabCorp).

NM_001370259.2(MEN1):c.307del (p.Leu103fs)

Gene: MEN1 (menin 1; minus strand). Cytogenetic location: 11q13.1.
Variant type: Deletion.
Coding change: c.307del on transcript NM_001370259.2 (MANE Select); coding-DNA position 307, one base deleted (C; older notation c.307delC).
Protein change: p.Leu103fs; shifts the reading frame from leucine 103.
Molecular consequence: frameshift variant.
Genome position (GRCh38, 1-based): chr11:64,809,803, G deleted on the plus strand (C on the coding strand, the reverse complement: MEN1 is on the minus strand); the first of 2 consecutive G bases (chr11:64,809,803-64,809,804); deleting either gives the same sequence. VCF-style (leftmost placement, unchanged base first): chr11-64809802-AG-A. GRCh37 (hg19) VCF-style: chr11-64577274-AG-A.
Other names: c.307delC (NM_130804.2, NM_130799.2); c.307del, p.Leu103fs (NM_000244.4, NM_001370251.2, NM_001370260.2 and 9 more transcripts); short protein forms L103fs.
Identifiers: ClinVar variation 200996 (VCV000200996.28), dbSNP rs794728639, ClinGen allele CA009358.